The following is an entry in ClinVar:

ClinVar aggregate classification (germline): Uncertain significance (1 of 4 stars; one submission).

Submission:

Labcorp Genetics (formerly Invitae), Labcorp
Classification: Uncertain significance. Last evaluated: 2024-02-06. Review status: criteria provided, single submitter. Criteria: Invitae Variant Classification Sherloc (09022015). Collection method: clinical testing. Allele origin: germline.
Comment: This sequence change replaces alanine, which is neutral and non-polar, with threonine, which is neutral and polar, at codon 175 of the LEMD3 protein (p.Ala175Thr). This variant is not present in population databases (gnomAD no frequency). This variant has not been reported in the literature in individuals affected with LEMD3-related conditions. Advanced modeling of protein sequence and biophysical properties (such as structural, functional, and spatial information, amino acid conservation, physicochemical variation, residue mobility, and thermodynamic stability) performed at Invitae indicates that this missense variant is not expected to disrupt LEMD3 protein function with a negative predictive value of 80%. In summary, the available evidence is currently insufficient to determine the role of this variant in disease. Therefore, it has been classified as a Variant of Uncertain Significance.

NM_014319.5(LEMD3):c.523G>A (p.Ala175Thr)

Gene: LEMD3 (LEM domain containing 3; plus strand). Cytogenetic location: 12q14.3.
Variant type: single nucleotide variant.
Coding change: c.523G>A on transcript NM_014319.5 (MANE Select); coding-DNA position 523, G replaced by A.
Protein change: p.Ala175Thr; replaces alanine 175 with threonine.
Molecular consequence: missense variant.
Genome position (GRCh38, 1-based): chr12:65,170,119, G>A. VCF-style: chr12-65170119-G-A. GRCh37 (hg19) VCF-style: chr12-65563899-G-A.
Other names: c.523G>A, p.Ala175Thr (NM_001167614.2); short protein forms A175T.
Identifiers: ClinVar variation 3693130 (VCV003693130.2).